The following is an entry in ClinVar:

ClinVar aggregate classification (germline): Uncertain significance (1 of 4 stars; one submission).

Conditions:
Tietz syndrome (TADS). Also called: HYPOPIGMENTATION/DEAFNESS OF TIETZ; TIETZ ALBINISM-DEAFNESS SYNDROME; ALBINISM-DEAFNESS OF TIETZ. Identifiers: Orphanet 42665, MedGen C0391816, MONDO:0007077, OMIM 103500.
Waardenburg syndrome type 2A (WS2A). Also called: WAARDENBURG SYNDROME WITHOUT DYSTOPIA CANTHORUM. Identifiers: Orphanet 3440, MedGen C1860339, MONDO:0008671, OMIM 193510.
Melanoma, cutaneous malignant, susceptibility to, 8. Also called: MELANOMA AND RENAL CELL CARCINOMA, SUSCEPTIBILITY TO; Cutaneous malignant melanoma 8. Identifiers: Orphanet 293822, MedGen C3152204, MONDO:0013759, OMIM 614456.

Submission:

Labcorp Genetics (formerly Invitae), Labcorp
Classification: Uncertain significance for Melanoma, cutaneous malignant, susceptibility to, 8; Waardenburg syndrome type 2A; Tietz syndrome. Last evaluated: 2024-06-19. Review status: criteria provided, single submitter. Criteria: Invitae Variant Classification Sherloc (09022015). Collection method: clinical testing. Allele origin: germline.
Comment: This sequence change replaces aspartic acid, which is acidic and polar, with histidine, which is basic and polar, at codon 334 of the MITF protein (p.Asp334His). This variant is not present in population databases (gnomAD no frequency). This variant has not been reported in the literature in individuals affected with MITF-related conditions. Advanced modeling of protein sequence and biophysical properties (such as structural, functional, and spatial information, amino acid conservation, physicochemical variation, residue mobility, and thermodynamic stability) performed at Invitae indicates that this missense variant is not expected to disrupt MITF protein function with a negative predictive value of 80%. In summary, the available evidence is currently insufficient to determine the role of this variant in disease. Therefore, it has been classified as a Variant of Uncertain Significance.

NM_001354604.2(MITF):c.1321G>C (p.Asp441His)

Gene: MITF (melanocyte inducing transcription factor; plus strand). Cytogenetic location: 3p13.
Variant type: single nucleotide variant.
Coding change: c.1321G>C on transcript NM_001354604.2 (MANE Select); coding-DNA position 1321, G replaced by C.
Protein change: p.Asp441His; replaces aspartic acid 441 with histidine.
Molecular consequence: missense variant.
Genome position (GRCh38, 1-based): chr3:69,964,988, G>C. VCF-style: chr3-69964988-G-C. GRCh37 (hg19) VCF-style: chr3-70014139-G-C.
Other names: c.1000G>C, p.Asp334His (NM_000248.4); c.1147G>C, p.Asp383His (NM_001184967.2, NM_001354608.2); c.1318G>C, p.Asp440His (NM_001354605.2); c.1300G>C, p.Asp434His (NM_001354606.2, NM_006722.3); c.1252G>C, p.Asp418His (NM_001354607.2); c.982G>C, p.Asp328His (NM_198158.3); c.1303G>C, p.Asp435His (NM_198159.3); c.1255G>C, p.Asp419His (NM_198177.3); and 1 more; short protein forms D272H, D328H, D334H, D383H, D418H, D419H, D434H, D435H.
Identifiers: ClinVar variation 3756877 (VCV003756877.2).